The following is an entry in ClinVar:

ClinVar aggregate classification (germline): Uncertain significance (1 of 4 stars; one submission).

Conditions:
ASXL3-related disorder. Also called: ASXL3-related condition. Identifiers: MedGen CN381524.

Allele frequency attached by ClinVar (database versions not stated): gnomAD 0.00001.

Submission:

PreventionGenetics, part of Exact Sciences
Classification: Uncertain significance for ASXL3-related condition. Last evaluated: 2023-03-30. Review status: criteria provided, single submitter. Criteria: ACMG Guidelines, 2015. Collection method: clinical testing. Allele origin: germline.
Comment: The ASXL3 c.5894G>C variant is predicted to result in the amino acid substitution p.Arg1965Thr. To our knowledge, this variant has not been reported in the literature. This variant is reported in 0.0016% of alleles in individuals of European (Non-Finnish) descent in gnomAD. At this time, the clinical significance of this variant is uncertain due to the absence of conclusive functional and genetic evidence.

NM_030632.3(ASXL3):c.5894G>C (p.Arg1965Thr)

Gene: ASXL3 (ASXL transcriptional regulator 3; plus strand). Cytogenetic location: 18q12.1.
Variant type: single nucleotide variant.
Coding change: c.5894G>C on transcript NM_030632.3 (MANE Select); coding-DNA position 5894, G replaced by C.
Protein change: p.Arg1965Thr; replaces arginine 1965 with threonine.
Molecular consequence: missense variant.
Genome position (GRCh38, 1-based): chr18:33,745,742, G>C. VCF-style: chr18-33745742-G-C. GRCh37 (hg19) VCF-style: chr18-31325706-G-C.
Other names: short protein forms R1965T.
Identifiers: ClinVar variation 2628871 (VCV002628871.1), dbSNP rs1049487258, ClinGen allele CA297794474.
Genomic context (GRCh38, chr18:33,745,742, plus strand): 5'-CAGCTCTGTTACAGGCCTCTTCCAAGACCCCAGTGGGGTGTAATGCATTTGCCTTCAACA[G>C]GCATCTTGAACAGAAGGGATTGGGAGAGGTTAGTCTTTCCTCAGCACCTCACCAGCTAAG-3'
Protein context (NP_085135.1, residues 1955-1975): PVGCNAFAFN[Arg1965Thr]HLEQKGLGEV